The following is an entry in ClinVar:

ClinVar aggregate classification (germline): Uncertain significance (1 of 4 stars; one submission).

Conditions:
Cardiovascular phenotype. Identifiers: MedGen CN230736.

Submission:

Ambry Genetics
Classification: Uncertain significance for Cardiovascular phenotype. Last evaluated: 2019-08-30. Review status: criteria provided, single submitter. Criteria: Ambry Variant Classification Scheme 2023. Collection method: clinical testing. Allele origin: germline.
Comment: The p.I8047V variant (also known as c.24139A>G), located in coding exon 98 of the TTN gene, results from an A to G substitution at nucleotide position 24139. The isoleucine at codon 8047 is replaced by valine, an amino acid with highly similar properties. This amino acid position is highly conserved in available vertebrate species. In addition, this alteration is predicted to be tolerated by in silico analysis. Since supporting evidence is limited at this time, the clinical significance of this alteration remains unclear.

NM_001267550.2(TTN):c.51334A>G (p.Ile17112Val)

Genes: TTN (titin; minus strand), TTN-AS1 (TTN antisense RNA 1; plus strand). Cytogenetic location: 2q31.2.
Variant type: single nucleotide variant.
Coding change: c.51334A>G on transcript NM_001267550.2 (MANE Select); coding-DNA position 51334, A replaced by G.
Protein change: p.Ile17112Val; replaces isoleucine 17112 with valine.
Molecular consequence: missense variant.
Genome position (GRCh38, 1-based): chr2:178,610,192, T>C on the plus strand (A>G on the coding strand, the complement: TTN is on the minus strand). VCF-style: chr2-178610192-T-C. GRCh37 (hg19) VCF-style: chr2-179474919-T-C.
Other names: c.46411A>G, p.Ile15471Val (NM_001256850.1); c.24139A>G, p.Ile8047Val (NM_003319.4); c.43630A>G, p.Ile14544Val (NM_133378.4); c.24514A>G, p.Ile8172Val (NM_133432.3); c.24715A>G, p.Ile8239Val (NM_133437.4); short protein forms I15471V, I17112V, I14544V, I8172V, I8239V, I8047V.
Identifiers: ClinVar variation 1790910 (VCV001790910.2), dbSNP rs2470428404, ClinGen allele CA349586694.